The following is an entry in ClinVar:

ClinVar aggregate classification (germline): Pathogenic (1 of 4 stars; one submission).

Conditions:
Cystinuria (CSNU). Also called: CYSTINURIA, TYPE I; CYSTINURIA, TYPE II; CYSTINURIA, TYPE III; Cystinuria, non-type I. Identifiers: Orphanet 214, MedGen C0010691, MONDO:0009067, OMIM 220100, HP:0003131.

Submission:

Labcorp Genetics (formerly Invitae), Labcorp
Classification: Pathogenic for Cystinuria. Last evaluated: 2022-08-15. Review status: criteria provided, single submitter. Criteria: Invitae Variant Classification Sherloc (09022015). Collection method: clinical testing. Allele origin: germline.
Comment: This variant is a gross deletion of the genomic region encompassing exon(s) 5-9 of the SLC3A1 gene. This variant would be expected to be in-frame, preserving the integrity of the reading frame. This variant has not been reported in the literature in individuals affected with SLC3A1-related conditions. The region of the SLC3A1 gene that includes exon(s) 6-7 has been determined to be clinically significant (PMID: 28646536). Therefore, deletions that encompass that region are likely to be disease-causing. For these reasons, this variant has been classified as Pathogenic.

Literature cited by the submitters: PubMed 28646536.

NC_000002.11:g.(?_44527090)_(44541110_?)del

Gene: SLC3A1 (solute carrier family 3 member 1; plus strand). Cytogenetic location: 2p21.
Variant type: Deletion.
Identifiers: ClinVar variation 2422936 (VCV002422936.1).